The following is an entry in ClinVar:

ClinVar aggregate classification (germline): Uncertain significance (1 of 4 stars; one submission).

Conditions:
Inborn genetic diseases. Identifiers: MedGen C0950123, MeSH D030342.

Submission:

Ambry Genetics
Classification: Uncertain significance for Inborn genetic diseases. Last evaluated: 2024-11-26. Review status: criteria provided, single submitter. Criteria: Ambry Variant Classification Scheme 2023. Collection method: clinical testing. Allele origin: germline.
Comment: The p.L368F variant (also known as c.1104G>T), located in coding exon 9 of the FANCG gene, results from a G to T substitution at nucleotide position 1104. The leucine at codon 368 is replaced by phenylalanine, an amino acid with highly similar properties. This amino acid position is conserved. In addition, this alteration is predicted to be tolerated by in silico analysis. Based on the available evidence, the clinical significance of this variant remains unclear.

NM_004629.2(FANCG):c.1104G>T (p.Leu368Phe)

Gene: FANCG (FA complementation group G; minus strand). Cytogenetic location: 9p13.3.
Variant type: single nucleotide variant.
Coding change: c.1104G>T on transcript NM_004629.2 (MANE Select); coding-DNA position 1104, G replaced by T.
Protein change: p.Leu368Phe; replaces leucine 368 with phenylalanine.
Molecular consequence: missense variant.
Genome position (GRCh38, 1-based): chr9:35,076,001, C>A on the plus strand (G>T on the coding strand, the complement: FANCG is on the minus strand). VCF-style: chr9-35076001-C-A. GRCh37 (hg19) VCF-style: chr9-35075998-C-A.
Other names: short protein forms L368F.
Identifiers: ClinVar variation 3512850 (VCV003512850.1).